The following is an entry in ClinVar:

NM_001008537.3(NEXMIF):c.2812C>T (p.Leu938Phe)

Gene: NEXMIF (neurite extension and migration factor; minus strand). Cytogenetic location: Xq13.3.
Variant type: single nucleotide variant.
Coding change: c.2812C>T on transcript NM_001008537.3 (MANE Select); coding-DNA position 2812, C replaced by T.
Protein change: p.Leu938Phe; replaces leucine 938 with phenylalanine.
Molecular consequence: missense variant.
Genome position (GRCh38, 1-based): chrX:74,741,745, G>A on the plus strand (C>T on the coding strand, the complement: NEXMIF is on the minus strand). VCF-style: chrX-74741745-G-A. GRCh37 (hg19) VCF-style: chrX-73961580-G-A.
Other names: short protein forms L938F.
Identifiers: ClinVar variation 978829 (VCV000978829.4), dbSNP rs1297199556, ClinGen allele CA413667381.
Genomic context (GRCh38, chrX:74,741,745, plus strand): 5'-GTTGGGTATCTTGCATGGAGTCATACAGGACCTTGTTGCAATTACTGCCACCACTATTGA[G>A]ACAGATTGGATTGTATGTTGTAGGTGTGAGGTTATTTTCCATGGAGACTACTTGGGAGGC-3'
Protein context (NP_001008537.1, residues 928-948): LTPTTYNPIC[Leu938Phe]NSGGSNCNKV

ClinVar aggregate classification (germline): Uncertain significance. Review status: criteria provided, multiple submitters, no conflicts (2 of 4 stars). 2 submissions from 2 submitters: Uncertain significance (2). Last evaluated 2024-08-06.

Conditions:
Intellectual disability. Also called: intellectual disabilities; Intellectual developmental disorder; Intellectual functioning disability. Identifiers: MedGen C3714756, MeSH D008607, MONDO:0001071, HP:0001249.

Allele frequency attached by ClinVar (database versions not stated): gnomAD exomes 0.00001 and below 0.00001.
gnomAD v4.1: 3 of 1,211,367 alleles (0.00025%); highest among the groups gnomAD compares: Admixed American, 0.0043%; no homozygotes.

Submissions (2):

Labcorp Genetics (formerly Invitae), Labcorp
Classification: Uncertain significance. Last evaluated: 2024-08-06. Review status: criteria provided, single submitter. Criteria: Invitae Variant Classification Sherloc (09022015). Collection method: clinical testing. Allele origin: germline.
Comment: This sequence change replaces leucine, which is neutral and non-polar, with phenylalanine, which is neutral and non-polar, at codon 938 of the NEXMIF protein (p.Leu938Phe). The frequency data for this variant in the population databases is considered unreliable, as metrics indicate poor data quality at this position in the gnomAD database. This variant has not been reported in the literature in individuals affected with NEXMIF-related conditions. ClinVar contains an entry for this variant (Variation ID: 978829). An algorithm developed to predict the effect of missense changes on protein structure and function (PolyPhen-2) suggests that this variant is likely to be disruptive. In summary, the available evidence is currently insufficient to determine the role of this variant in disease. Therefore, it has been classified as a Variant of Uncertain Significance.

Diagnostic Laboratory, Strasbourg University Hospital
Classification: Uncertain significance for Intellectual disability. Last evaluated: 2020-04-20. Review status: criteria provided, single submitter. Criteria: ACMG Guidelines, 2015. Collection method: clinical testing. Allele origin: maternal. Inheritance: X-linked inheritance. Affected: yes. Observed: 1 hemizygote.